The following is an entry in ClinVar:

ClinVar aggregate classification (germline): Uncertain significance (1 of 4 stars; one submission).

Allele frequency attached by ClinVar (database versions not stated): ExAC 0.00001; gnomAD exomes 0.00001; TOPMed 0.00001; gnomAD 0.00003.
gnomAD v4.1: 11 of 1,613,156 alleles (0.00068%); highest among the groups gnomAD compares: South Asian, 0.0055%; no homozygotes.

Submission:

Labcorp Genetics (formerly Invitae), Labcorp
Classification: Uncertain significance. Last evaluated: 2023-08-09. Review status: criteria provided, single submitter. Criteria: Invitae Variant Classification Sherloc (09022015). Collection method: clinical testing. Allele origin: germline.
Comment: This variant has not been reported in the literature in individuals affected with VPS13C-related conditions. ClinVar contains an entry for this variant (Variation ID: 2051301). Advanced modeling of protein sequence and biophysical properties (such as structural, functional, and spatial information, amino acid conservation, physicochemical variation, residue mobility, and thermodynamic stability) performed at Invitae indicates that this missense variant is not expected to disrupt VPS13C protein function. In summary, the available evidence is currently insufficient to determine the role of this variant in disease. Therefore, it has been classified as a Variant of Uncertain Significance. This variant is present in population databases (rs758107980, gnomAD 0.0009%). This sequence change replaces isoleucine, which is neutral and non-polar, with valine, which is neutral and non-polar, at codon 2479 of the VPS13C protein (p.Ile2479Val).

NM_020821.3(VPS13C):c.7435A>G (p.Ile2479Val)

Gene: VPS13C (vacuolar protein sorting 13 homolog C; minus strand). Cytogenetic location: 15q22.2.
Variant type: single nucleotide variant.
Coding change: c.7435A>G on transcript NM_020821.3 (MANE Select); coding-DNA position 7435, A replaced by G.
Protein change: p.Ile2479Val; replaces isoleucine 2479 with valine.
Molecular consequence: missense variant.
Genome position (GRCh38, 1-based): chr15:61,920,109, T>C on the plus strand (A>G on the coding strand, the complement: VPS13C is on the minus strand). VCF-style: chr15-61920109-T-C. GRCh37 (hg19) VCF-style: chr15-62212308-T-C.
Other names: c.7435A>G, p.Ile2479Val (NM_001018088.3); c.7306A>G, p.Ile2436Val (NM_017684.5, NM_018080.4); short protein forms I2436V, I2479V.
Identifiers: ClinVar variation 2051301 (VCV002051301.4), dbSNP rs758107980, ClinGen allele CA7595269.